The following is an entry in ClinVar:

ClinVar aggregate classification (germline): Pathogenic/Likely pathogenic. Review status: criteria provided, multiple submitters, no conflicts (2 of 4 stars). 2 submissions from 2 submitters: Pathogenic (1); Likely pathogenic (1). Last evaluated 2022-10-23.

Conditions:
MTTP-related disorder. Also called: MTTP-related condition.

Allele frequency attached by ClinVar (database versions not stated): ExAC 0.00001.
gnomAD v4.1: 3 of 1,613,252 alleles (0.00019%); highest among the groups gnomAD compares: Non-Finnish European, 0.00025%; no homozygotes.

Submissions (2):

Labcorp Genetics (formerly Invitae), Labcorp
Classification: Pathogenic. Last evaluated: 2022-10-23. Review status: criteria provided, single submitter. Criteria: Invitae Variant Classification Sherloc (09022015). Collection method: clinical testing. Allele origin: germline.
Comment: This sequence change affects a donor splice site in intron 10 of the MTTP gene. It is expected to disrupt RNA splicing. Variants that disrupt the donor or acceptor splice site typically lead to a loss of protein function (PMID: 16199547), and loss-of-function variants in MTTP are known to be pathogenic (PMID: 8533758, 9671739). This variant is present in population databases (rs762781522, gnomAD 0.006%). Disruption of this splice site has been observed in individual(s) with MTTP-related conditions (PMID: 23043934). Studies have shown that disruption of this splice site alters mRNA splicing and is expected to lead to the loss of protein expression (PMID: 23043934). For these reasons, this variant has been classified as Pathogenic.

Blueprint Genetics
Classification: Likely pathogenic for MTTP-related disorders. Last evaluated: 2022-01-24. Review status: criteria provided, single submitter. Criteria: ACMG Guidelines, 2015. Collection method: clinical testing. Allele origin: germline. Affected: yes. Observed: 1 variant allele.

Literature cited by the submitters: PubMed 16199547 (cited by Labcorp Genetics (formerly Invitae), Labcorp); PubMed 8533758 (cited by Labcorp Genetics (formerly Invitae), Labcorp); PubMed 9671739 (cited by Labcorp Genetics (formerly Invitae), Labcorp); PubMed 23043934 (cited by Labcorp Genetics (formerly Invitae), Labcorp).

NM_001386140.1(MTTP):c.1236+1G>A

Gene: MTTP (microsomal triglyceride transfer protein; plus strand). Cytogenetic location: 4q23.
Variant type: single nucleotide variant.
Coding change: c.1236+1G>A on transcript NM_001386140.1 (MANE Select); the canonical splice donor site of the intron after coding-DNA position 1236, G replaced by A.
Molecular consequence: splice donor variant.
Genome position (GRCh38, 1-based): chr4:99,600,734, G>A. VCF-style: chr4-99600734-G-A. GRCh37 (hg19) VCF-style: chr4-100521891-G-A.
Other names: c.1236+1G>A (NM_000253.4); c.987+1G>A (NM_001300785.2).
Identifiers: ClinVar variation 1934654 (VCV001934654.6), dbSNP rs762781522, ClinGen allele CA3022053.